The following is an entry in ClinVar:

NM_002474.3(MYH11):c.397A>G (p.Ile133Val)

Gene: MYH11 (myosin heavy chain 11; minus strand). Cytogenetic location: 16p13.11.
Variant type: single nucleotide variant.
Coding change: c.397A>G on transcript NM_002474.3 (MANE Select); coding-DNA position 397, A replaced by G.
Protein change: p.Ile133Val; replaces isoleucine 133 with valine.
Molecular consequence: missense variant.
Genome position (GRCh38, 1-based): chr16:15,823,360, T>C on the plus strand (A>G on the coding strand, the complement: MYH11 is on the minus strand). VCF-style: chr16-15823360-T-C. GRCh37 (hg19) VCF-style: chr16-15917217-T-C.
Other names: c.397A>G, p.Ile133Val (NM_001040113.2, NM_001040114.2, NM_022844.3); short protein forms I133V.
Identifiers: ClinVar variation 1424464 (VCV001424464.9), dbSNP rs2043468274, ClinGen allele CA394882604.

ClinVar aggregate classification (germline): Uncertain significance. Review status: criteria provided, multiple submitters, no conflicts (2 of 4 stars). 4 submissions from 4 submitters: Uncertain significance (4). Last evaluated 2025-11-05.

Conditions:
Familial thoracic aortic aneurysm and aortic dissection (TAAD). Also called: Thoracic aortic aneurysms and dissections. Identifiers: Orphanet 91387, MedGen C4707243, MONDO:0019625.
Aortic aneurysm, familial thoracic 4 (AAT4). Also called: AORTIC ANEURYSM/AORTIC DISSECTION AND PATENT DUCTUS ARTERIOSUS. Identifiers: MedGen C1851504, MONDO:0007568, OMIM 132900.
Visceral myopathy 2. Identifiers: MedGen C5543466, MONDO:0859157, OMIM 619350.
Megacystis-microcolon-intestinal hypoperistalsis syndrome 2. Identifiers: MedGen C5543476, MONDO:0025708, OMIM 619351.

Submissions (4):

Labcorp Genetics (formerly Invitae), Labcorp
Classification: Uncertain significance for Aortic aneurysm, familial thoracic 4. Last evaluated: 2025-11-05. Review status: criteria provided, single submitter. Criteria: Invitae Variant Classification Sherloc (09022015). Collection method: clinical testing. Allele origin: germline.
Comment: This sequence change replaces isoleucine, which is neutral and non-polar, with valine, which is neutral and non-polar, at codon 133 of the MYH11 protein (p.Ile133Val). This variant is not present in population databases (gnomAD no frequency). This variant has not been reported in the literature in individuals affected with MYH11-related conditions. ClinVar contains an entry for this variant (Variation ID: 1424464). Invitae Evidence Modeling of protein sequence and biophysical properties (such as structural, functional, and spatial information, amino acid conservation, physicochemical variation, residue mobility, and thermodynamic stability) indicates that this missense variant is not expected to disrupt MYH11 protein function with a negative predictive value of 95%. In summary, the available evidence is currently insufficient to determine the role of this variant in disease. Therefore, it has been classified as a Variant of Uncertain Significance.

Blueprint Genetics
Classification: Uncertain significance. Last evaluated: 2023-01-04. Review status: criteria provided, single submitter. Criteria: ACMG Guidelines, 2015. Collection method: clinical testing. Allele origin: germline.

Fulgent Genetics
Classification: Uncertain significance for Aortic aneurysm, familial thoracic 4; Visceral myopathy 2; Megacystis-microcolon-intestinal hypoperistalsis syndrome 2. Last evaluated: 2021-09-20. Review status: criteria provided, single submitter. Criteria: ACMG Guidelines, 2015. Collection method: clinical testing. Allele origin: unknown.

Ambry Genetics
Classification: Uncertain significance for Familial thoracic aortic aneurysm and aortic dissection. Last evaluated: 2021-06-23. Review status: criteria provided, single submitter. Criteria: Ambry Variant Classification Scheme 2023. Collection method: clinical testing. Allele origin: germline.
Comment: The p.I133V variant (also known as c.397A>G), located in coding exon 2 of the MYH11 gene, results from an A to G substitution at nucleotide position 397. The isoleucine at codon 133 is replaced by valine, an amino acid with highly similar properties. This amino acid position is conserved. In addition, the in silico prediction for this alteration is inconclusive. Since supporting evidence is limited at this time, the clinical significance of this alteration remains unclear.